The following is an entry in ClinVar:

ClinVar aggregate classification (germline): Uncertain significance (1 of 4 stars; one submission).

Conditions:
Arrhythmogenic right ventricular dysplasia 5. Also called: Arrhythmogenic Right Ventricular Dysplasia/Cardiomyopathy 5; ARRHYTHMOGENIC RIGHT VENTRICULAR DYSPLASIA, FAMILIAL, 5. Identifiers: MedGen C1858379, MONDO:0011459, OMIM 604400.

Submission:

Labcorp Genetics (formerly Invitae), Labcorp
Classification: Uncertain significance for Arrhythmogenic right ventricular dysplasia 5. Last evaluated: 2025-07-23. Review status: criteria provided, single submitter. Criteria: Invitae Variant Classification Sherloc (09022015). Collection method: clinical testing. Allele origin: germline.
Comment: This variant, c.830_832del, results in the deletion of 1 amino acid(s) of the TMEM43 protein (p.Thr277del), but otherwise preserves the integrity of the reading frame. This variant is not present in population databases (gnomAD no frequency). This variant has not been reported in the literature in individuals affected with TMEM43-related conditions. Experimental studies and prediction algorithms are not available or were not evaluated, and the functional significance of this variant is currently unknown. In summary, the available evidence is currently insufficient to determine the role of this variant in disease. Therefore, it has been classified as a Variant of Uncertain Significance.

NM_024334.3(TMEM43):c.827CCA[1] (p.Thr277del)

Gene: TMEM43 (transmembrane protein 43; plus strand). Cytogenetic location: 3p25.1.
Variant type: Microsatellite.
Coding change: c.827CCA[1] on transcript NM_024334.3 (MANE Select); one copy of the 3-base unit CCA starting at c.827; the reference has two copies in a row; one copy, 3 bases deleted.
Protein change: p.Thr277del; deletes threonine 277.
Genome position (GRCh38, 1-based): chr3:14,135,856-14,135,858, CCA deleted; deleting any 3 consecutive bases within chr3:14,135,853-14,135,858 gives the same sequence; the position shown is the placement nearest the transcript's 3' end. VCF-style (leftmost placement, unchanged base first): chr3-14135852-TCCA-T. GRCh37 (hg19) VCF-style: chr3-14177352-TCCA-T.
Other names: c.830CCA[1], p.Thr278del (NM_001407274.1); c.824CCA[1], p.Thr276del (NM_001407275.1, NM_001407277.1); c.827CCA[1], p.Thr277del (NM_001407276.1); c.812CCA[1], p.Thr272del (NM_001407278.1); c.752CCA[1], p.Thr252del (NM_001407279.1); c.677CCA[1], p.Thr227del (NM_001407280.1); short protein forms T278del, T252del, T277del, T227del, T272del, T276del.
Identifiers: ClinVar variation 4775168 (VCV004775168.1).